The following is an entry in ClinVar:

ClinVar aggregate classification (germline): Benign (1 of 4 stars; one submission).

Allele frequency attached by ClinVar (database versions not stated): 1000 Genomes Project 0.19429; 1000 Genomes Project 30x 0.19566; TOPMed 0.26956; gnomAD 0.28527 and 0.28901; gnomAD exomes 0.33718.
gnomAD v4.1: 181,176 of 561,596 alleles (32%); highest among the groups gnomAD compares: Non-Finnish European, 39%; 32,992 homozygotes.

Submission:

GeneDx
Classification: Benign. Last evaluated: 2018-06-14. Review status: criteria provided, single submitter. Criteria: GeneDx Variant Classification (06012015). Collection method: clinical testing. Allele origin: germline. Affected: yes.
Comment: This variant is considered likely benign or benign based on one or more of the following criteria: it is a conservative change, it occurs at a poorly conserved position in the protein, it is predicted to be benign by multiple in silico algorithms, and/or has population frequency not consistent with disease.

NM_172107.4(KCNQ2):c.1024-204C>T

Gene: KCNQ2 (potassium voltage-gated channel subfamily Q member 2; minus strand). Cytogenetic location: 20q13.33.
Variant type: single nucleotide variant.
Coding change: c.1024-204C>T on transcript NM_172107.4 (MANE Select); 204 bases into the intron before coding-DNA position 1024, C replaced by T.
Molecular consequence: intron variant.
Genome position (GRCh38, 1-based): chr20:63,434,107, G>A on the plus strand (C>T on the coding strand, the complement: KCNQ2 is on the minus strand). VCF-style: chr20-63434107-G-A. GRCh37 (hg19) VCF-style: chr20-62065460-G-A.
Other names: c.1024-204C>T (NM_004518.6, NM_172108.5, NM_172106.3 and 1 more transcripts).
Identifiers: ClinVar variation 682046 (VCV000682046.1), dbSNP rs6011830, ClinGen allele CA14765886.
Genomic context (GRCh38, chr20:63,434,107, plus strand): 5'-CCAGTGCTGCATCAGCCCCACAGCCTCAGTTTACCCTCTGTAGGACAGACAGGCAAGCCC[G>A]CTTGTCAGACGGTGGGGCCTGAAGGAGGGGAGCGGTTGGGGCTTGACTCGGGGCCCTGAG-3'